The following is an entry in ClinVar:

NM_012434.5(SLC17A5):c.1223del (p.Ser408fs)

Gene: SLC17A5 (solute carrier family 17 member 5; minus strand). Cytogenetic location: 6q13.
Variant type: Deletion.
Coding change: c.1223del on transcript NM_012434.5 (MANE Select); coding-DNA position 1223, one base deleted (C; older notation c.1223delC).
Protein change: p.Ser408fs; shifts the reading frame from serine 408.
Molecular consequence: frameshift variant.
Genome position (GRCh38, 1-based): chr6:73,610,436, G deleted on the plus strand (C on the coding strand, the reverse complement: SLC17A5 is on the minus strand). VCF-style (leftmost placement, unchanged base first): chr6-73610435-AG-A. GRCh37 (hg19) VCF-style: chr6-74320158-AG-A.
Other names: c.1223del (NM_012434.4); short protein forms S408fs.
Identifiers: ClinVar variation 444691 (VCV000444691.49), dbSNP rs868677428, ClinGen allele CA140979010.

ClinVar aggregate classification (germline): Pathogenic/Likely pathogenic. Review status: criteria provided, multiple submitters, no conflicts (2 of 4 stars). 3 submissions from 3 submitters: Pathogenic (1); Likely pathogenic (2). Last evaluated 2024-09-24.

Conditions:
Salla disease (SD). Also called: Less Severe FSASD (Salla Disease); Sialuria, Finnish type; N-acetylneuraminic acid (NANA) storage disease (NSD); Infantile sialic acid storage disorder (ISSD). Identifiers: Orphanet 309334, Orphanet 834, MedGen C1096903, MONDO:0011449, OMIM 604369.

Allele frequency attached by ClinVar (database versions not stated): gnomAD exomes below 0.00001; ESP Exome Variant Server 0.00008.

Submissions (3):

GeneDx
Classification: Likely pathogenic. Last evaluated: 2024-09-24. Review status: criteria provided, single submitter. Criteria: GeneDx Variant Classification Process June 2021. Collection method: clinical testing. Allele origin: germline. Affected: yes.
Comment: Frameshift variant predicted to result in abnormal protein length as the last 88 amino acid(s) are replaced with 39 different amino acid(s), and other similar variants have been reported in HGMD; Not observed at significant frequency in large population cohorts (gnomAD); Has not been previously published as pathogenic or benign to our knowledge

Labcorp Genetics (formerly Invitae), Labcorp
Classification: Pathogenic for Salla disease. Last evaluated: 2022-10-25. Review status: criteria provided, single submitter. Criteria: Invitae Variant Classification Sherloc (09022015). Collection method: clinical testing. Allele origin: germline.
Comment: For these reasons, this variant has been classified as Pathogenic. This variant disrupts a region of the SLC17A5 protein in which other variant(s) (p.Gly409Glu) have been determined to be pathogenic (PMID: 15172001, 17933575). This suggests that this is a clinically significant region of the protein, and that variants that disrupt it are likely to be disease-causing. ClinVar contains an entry for this variant (Variation ID: 444691). This variant has not been reported in the literature in individuals affected with SLC17A5-related conditions. This variant is not present in population databases (gnomAD no frequency). This sequence change creates a premature translational stop signal (p.Ser408Leufs*40) in the SLC17A5 gene. While this is not anticipated to result in nonsense mediated decay, it is expected to disrupt the last 88 amino acid(s) of the SLC17A5 protein.

CeGaT Center for Human Genetics Tuebingen
Classification: Likely pathogenic. Last evaluated: 2017-03-01. Review status: criteria provided, single submitter. Criteria: CeGaT Center For Human Genetics Tuebingen Variant Classification Criteria Version 2. Collection method: clinical testing. Allele origin: germline. Affected: yes. Observed: 1 variant allele.

Literature cited by the submitters: PubMed 15172001 (cited by Labcorp Genetics (formerly Invitae), Labcorp); PubMed 17933575 (cited by Labcorp Genetics (formerly Invitae), Labcorp).